The following is an entry in ClinVar:

ClinVar aggregate classification (germline): Uncertain significance (1 of 4 stars; one submission).

Conditions:
Epileptic encephalopathy. Identifiers: MedGen C0543888, HP:0200134.

gnomAD v4.1: 3 of 1,612,912 alleles (0.00019%); highest among the groups gnomAD compares: Non-Finnish European, 0.00025%; no homozygotes.

Submission:

Labcorp Genetics (formerly Invitae), Labcorp
Classification: Uncertain significance for Epileptic encephalopathy. Last evaluated: 2024-07-06. Review status: criteria provided, single submitter. Criteria: Invitae Variant Classification Sherloc (09022015). Collection method: clinical testing. Allele origin: germline.
Comment: This sequence change replaces tyrosine, which is neutral and polar, with cysteine, which is neutral and slightly polar, at codon 1887 of the FASN protein (p.Tyr1887Cys). This variant is not present in population databases (gnomAD no frequency). This variant has not been reported in the literature in individuals affected with FASN-related conditions. An algorithm developed to predict the effect of missense changes on protein structure and function (PolyPhen-2) suggests that this variant is likely to be disruptive. In summary, the available evidence is currently insufficient to determine the role of this variant in disease. Therefore, it has been classified as a Variant of Uncertain Significance.

NM_004104.5(FASN):c.5660A>G (p.Tyr1887Cys)

Gene: FASN (fatty acid synthase; minus strand). Cytogenetic location: 17q25.3.
Variant type: single nucleotide variant.
Coding change: c.5660A>G on transcript NM_004104.5 (MANE Select); coding-DNA position 5660, A replaced by G.
Protein change: p.Tyr1887Cys; replaces tyrosine 1887 with cysteine.
Molecular consequence: missense variant.
Genome position (GRCh38, 1-based): chr17:82,083,021, T>C on the plus strand (A>G on the coding strand, the complement: FASN is on the minus strand). VCF-style: chr17-82083021-T-C. GRCh37 (hg19) VCF-style: chr17-80040897-T-C.
Other names: short protein forms Y1887C.
Identifiers: ClinVar variation 3624843 (VCV003624843.2).